The following is an entry in ClinVar:

ClinVar aggregate classification (germline): Uncertain significance (1 of 4 stars; one submission).

Conditions:
Primary ciliary dyskinesia. Also called: Ciliary dyskinesia. Identifiers: Orphanet 244, MedGen C0008780, MONDO:0016575, HP:0012265.

gnomAD v4.1: 1 of 1,541,658 alleles (0.000065%); highest among the groups gnomAD compares: African/African-American, 0.0014%; no homozygotes.

Submission:

Labcorp Genetics (formerly Invitae), Labcorp
Classification: Uncertain significance for Primary ciliary dyskinesia. Last evaluated: 2024-09-23. Review status: criteria provided, single submitter. Criteria: Invitae Variant Classification Sherloc (09022015). Collection method: clinical testing. Allele origin: germline.
Comment: This sequence change replaces aspartic acid, which is acidic and polar, with histidine, which is basic and polar, at codon 12 of the DNAH11 protein (p.Asp12His). This variant is not present in population databases (gnomAD no frequency). This variant has not been reported in the literature in individuals affected with DNAH11-related conditions. Invitae Evidence Modeling of protein sequence and biophysical properties (such as structural, functional, and spatial information, amino acid conservation, physicochemical variation, residue mobility, and thermodynamic stability) indicates that this missense variant is not expected to disrupt DNAH11 protein function with a negative predictive value of 95%. In summary, the available evidence is currently insufficient to determine the role of this variant in disease. Therefore, it has been classified as a Variant of Uncertain Significance.

NM_001277115.2(DNAH11):c.34G>C (p.Asp12His)

Gene: DNAH11 (dynein axonemal heavy chain 11; plus strand). Cytogenetic location: 7p15.3.
Variant type: single nucleotide variant.
Coding change: c.34G>C on transcript NM_001277115.2 (MANE Select); coding-DNA position 34, G replaced by C.
Protein change: p.Asp12His; replaces aspartic acid 12 with histidine.
Molecular consequence: missense variant.
Genome position (GRCh38, 1-based): chr7:21,543,279, G>C. VCF-style: chr7-21543279-G-C. GRCh37 (hg19) VCF-style: chr7-21582897-G-C.
Other names: short protein forms D12H.
Identifiers: ClinVar variation 3685668 (VCV003685668.2).